The following is an entry in ClinVar:

ClinVar aggregate classification (germline): Likely benign (1 of 4 stars; one submission).

Allele frequency attached by ClinVar (database versions not stated): ExAC 0.00001; ESP Exome Variant Server 0.00008.
gnomAD v4.1: 84 of 1,613,398 alleles (0.0052%); highest among the groups gnomAD compares: Non-Finnish European, 0.0057%; no homozygotes.

Submission:

CeGaT Center for Human Genetics Tuebingen
Classification: Likely benign. Last evaluated: 2025-07-01. Review status: criteria provided, single submitter. Criteria: CeGaT Center For Human Genetics Tuebingen Variant Classification Criteria Version 2. Collection method: clinical testing. Allele origin: germline. Affected: yes. Observed: 3 variant alleles.
Comment: HERC2: BP4, BP7

NM_004667.6(HERC2):c.10998C>T (p.Ser3666=)

Gene: HERC2 (HECT and RLD domain containing E3 ubiquitin protein ligase 2; minus strand). Cytogenetic location: 15q13.1.
Variant type: single nucleotide variant.
Coding change: c.10998C>T on transcript NM_004667.6 (MANE Select); coding-DNA position 10998, C replaced by T.
Protein change: p.Ser3666=; no amino-acid change (serine 3666 retained).
Molecular consequence: synonymous variant.
Genome position (GRCh38, 1-based): chr15:28,146,247, G>A on the plus strand (C>T on the coding strand, the complement: HERC2 is on the minus strand). VCF-style: chr15-28146247-G-A. GRCh37 (hg19) VCF-style: chr15-28391393-G-A.
Identifiers: ClinVar variation 2645044 (VCV002645044.24), dbSNP rs146521940, ClinGen allele CA7440702.